The following is an entry in ClinVar:

ClinVar aggregate classification (germline): Uncertain significance. Review status: criteria provided, multiple submitters, no conflicts (2 of 4 stars). 3 submissions from 3 submitters: Uncertain significance (3). Last evaluated 2025-04-12.

Conditions:
Inborn genetic diseases. Identifiers: MedGen C0950123, MeSH D030342.
Familial infantile myasthenia (CMS6). Also called: MYASTHENIC SYNDROME, PRESYNAPTIC, CONGENITAL, ASSOCIATED WITH EPISODIC APNEA; Congenital myasthenic syndrome type 6; MYASTHENIC SYNDROME, CONGENITAL, 6, PRESYNAPTIC. Identifiers: Orphanet 590, MedGen C0393929, MONDO:0009689, OMIM 254210.

Allele frequency attached by ClinVar (database versions not stated): gnomAD exomes below 0.00001; gnomAD 0.00001; TOPMed 0.00002.
gnomAD v4.1: 4 of 1,614,078 alleles (0.00025%); highest among the groups gnomAD compares: African/African-American, 0.0053%; no homozygotes.

Submissions (3):

Ambry Genetics
Classification: Uncertain significance for Inborn genetic diseases. Last evaluated: 2025-04-12. Review status: criteria provided, single submitter. Criteria: Ambry Variant Classification Scheme 2023. Collection method: clinical testing. Allele origin: germline.

Revvity Omics, Revvity
Classification: Uncertain significance for Familial infantile myasthenia. Last evaluated: 2023-08-15. Review status: criteria provided, single submitter. Criteria: ACMG Guidelines, 2015. Collection method: clinical testing. Allele origin: germline.

Labcorp Genetics (formerly Invitae), Labcorp
Classification: Uncertain significance for Familial infantile myasthenia. Last evaluated: 2022-03-03. Review status: criteria provided, single submitter. Criteria: Invitae Variant Classification Sherloc (09022015). Collection method: clinical testing. Allele origin: germline.
Comment: This sequence change replaces alanine, which is neutral and non-polar, with valine, which is neutral and non-polar, at codon 680 of the CHAT protein (p.Ala680Val). This variant is not present in population databases (gnomAD no frequency). This variant has not been reported in the literature in individuals affected with CHAT-related conditions. Advanced modeling of protein sequence and biophysical properties (such as structural, functional, and spatial information, amino acid conservation, physicochemical variation, residue mobility, and thermodynamic stability) performed at Invitae indicates that this missense variant is not expected to disrupt CHAT protein function. In summary, the available evidence is currently insufficient to determine the role of this variant in disease. Therefore, it has been classified as a Variant of Uncertain Significance.

NM_020549.5(CHAT):c.2039C>T (p.Ala680Val)

Gene: CHAT (choline O-acetyltransferase; plus strand). Cytogenetic location: 10q11.23.
Variant type: single nucleotide variant.
Coding change: c.2039C>T on transcript NM_020549.5 (MANE Select); coding-DNA position 2039, C replaced by T.
Protein change: p.Ala680Val; replaces alanine 680 with valine.
Molecular consequence: missense variant.
Genome position (GRCh38, 1-based): chr10:49,664,838, C>T. VCF-style: chr10-49664838-C-T. GRCh37 (hg19) VCF-style: chr10-50872884-C-T.
Other names: c.1685C>T, p.Ala562Val (NM_001142929.2, NM_001142934.2, NM_020984.4 and 2 more transcripts); c.1793C>T, p.Ala598Val (NM_001142933.2); c.2039C>T (NM_020549.4); short protein forms A562V, A598V, A680V.
Identifiers: ClinVar variation 1923285 (VCV001923285.4), dbSNP rs889759952, ClinGen allele CA206624054.
Genomic context (GRCh38, chr10:49,664,838, plus strand): 5'-TGCCCACAACCACGGAGATGTTCTGCTGCTATGGTCCTGTGGTCCCAAATGGGTATGGTG[C>T]CTGCTACAACCCCCAGCCAGAGACCATCCTTTTCTGCATCTCTAGCTTTCACAGCTGCAA-3'
Protein context (NP_065574.4, residues 670-690): YGPVVPNGYG[Ala680Val]CYNPQPETIL